The following is an entry in ClinVar:

NM_015443.4(KANSL1):c.1837C>G (p.Leu613Val)

Gene: KANSL1 (KAT8 regulatory NSL complex subunit 1). Cytogenetic location: 17q21.31.
Variant type: single nucleotide variant.
Coding change: c.1837C>G on transcript NM_015443.4 (MANE Select); coding-DNA position 1837, C replaced by G.
Protein change: p.Leu613Val; replaces leucine 613 with valine.
Molecular consequence: missense variant.
Genome position (GRCh38, 1-based): chr17:46,066,548, G>C on the plus strand (C>G on the coding strand, the complement: KANSL1 is on the minus strand). VCF-style: chr17-46066548-G-C. GRCh37 (hg19) VCF-style: chr17-44143914-G-C.
Other names: c.1837C>G, p.Leu613Val (NM_001405875.1, NM_001405876.1, NM_001405877.1 and 14 more transcripts); c.1735C>G, p.Leu579Val (NM_001405881.1, NM_001405859.1, NM_001405860.1 and 1 more transcripts); c.571C>G, p.Leu191Val (NM_001405882.1, NM_001405883.1, NM_001405884.1 and 1 more transcripts); short protein forms L191V, L579V, L613V.
Identifiers: ClinVar variation 2708774 (VCV002708774.3), dbSNP rs776773635, ClinGen allele CA399986225.

ClinVar aggregate classification (germline): Uncertain significance (1 of 4 stars; one submission).

Conditions:
Koolen-de Vries syndrome (KDVS). Identifiers: Orphanet 96169, MedGen C1864871, MONDO:0012496, OMIM 610443.

gnomAD v4.1: 1 of 1,611,728 alleles (0.000062%); highest among the groups gnomAD compares: Non-Finnish European, 0.000085%; no homozygotes.

Submission:

Labcorp Genetics (formerly Invitae), Labcorp
Classification: Uncertain significance for Koolen-de Vries syndrome. Last evaluated: 2023-11-10. Review status: criteria provided, single submitter. Criteria: Invitae Variant Classification Sherloc (09022015). Collection method: clinical testing. Allele origin: germline.
Comment: This sequence change replaces leucine, which is neutral and non-polar, with valine, which is neutral and non-polar, at codon 613 of the KANSL1 protein (p.Leu613Val). This variant is not present in population databases (gnomAD no frequency). This variant has not been reported in the literature in individuals affected with KANSL1-related conditions. Advanced modeling of protein sequence and biophysical properties (such as structural, functional, and spatial information, amino acid conservation, physicochemical variation, residue mobility, and thermodynamic stability) has been performed at Invitae for this missense variant, however the output from this modeling did not meet the statistical confidence thresholds required to predict the impact of this variant on KANSL1 protein function. In summary, the available evidence is currently insufficient to determine the role of this variant in disease. Therefore, it has been classified as a Variant of Uncertain Significance.